The following is an entry in ClinVar:

NM_018557.3(LRP1B):c.5439C>T (p.Ile1813=)

Gene: LRP1B (LDL receptor related protein 1B; minus strand). Cytogenetic location: 2q22.1.
Variant type: single nucleotide variant.
Coding change: c.5439C>T on transcript NM_018557.3 (MANE Select); coding-DNA position 5439, C replaced by T.
Protein change: p.Ile1813=; no amino-acid change (isoleucine 1813 retained).
Molecular consequence: synonymous variant.
Genome position (GRCh38, 1-based): chr2:140,776,159, G>A on the plus strand (C>T on the coding strand, the complement: LRP1B is on the minus strand). VCF-style: chr2-140776159-G-A. GRCh37 (hg19) VCF-style: chr2-141533728-G-A.
Identifiers: ClinVar variation 3054003 (VCV003054003.2), dbSNP rs149686539, ClinGen allele CA1894911.

ClinVar aggregate classification (germline): Likely benign (0 of 4 stars; one submission).

Conditions:
LRP1B-related disorder. Also called: LRP1B-related condition.

Allele frequency attached by ClinVar (database versions not stated): ExAC 0.00006; gnomAD 0.00009; TOPMed 0.00009; ESP Exome Variant Server 0.00015.
gnomAD v4.1: 39 of 1,596,590 alleles (0.0024%); highest among the groups gnomAD compares: African/African-American, 0.045%; no homozygotes.

Submission:

PreventionGenetics, part of Exact Sciences
Classification: Likely benign for LRP1B-related condition. Last evaluated: 2020-04-01. Review status: no assertion criteria provided. Collection method: clinical testing. Allele origin: germline.
Comment: This variant is classified as likely benign based on ACMG/AMP sequence variant interpretation guidelines (Richards et al. 2015 PMID: 25741868, with internal and published modifications).